The following continues an entry in ClinVar:

NM_018972.4(GDAP1):c.358C>T (p.Arg120Trp)

Gene: GDAP1. ClinVar aggregate classification (germline): Pathogenic. Pathogenic (21).

Submissions 22 to 27 of 27:

OMIM
Classification: Pathogenic for CHARCOT-MARIE-TOOTH DISEASE, AXONAL, AUTOSOMAL DOMINANT, TYPE 2K. Last evaluated: 2011-08-09. Review status: no assertion criteria provided. Collection method: literature only. Allele origin: germline. Not counted in ClinVar's aggregate classification.

Clinical Genetics, Academic Medical Center
Classification: Pathogenic. Review status: no assertion criteria provided. Collection method: clinical testing. Allele origin: germline. Affected: yes. Study: VKGL Data-share Consensus. Not counted in ClinVar's aggregate classification.

GeneReviews
No classification provided. Condition: Charcot-Marie-Tooth disease axonal type 2K. Review status: no classification provided. Collection method: literature only. Allele origin: unknown. Not counted in ClinVar's aggregate classification.

GeneReviews
No classification provided. Condition: Charcot-Marie-Tooth disease. Review status: no classification provided. Collection method: literature only. Allele origin: germline. Not counted in ClinVar's aggregate classification.

Joint Genome Diagnostic Labs from Nijmegen and Maastricht, Radboudumc and MUMC+
Classification: Pathogenic. Review status: no assertion criteria provided. Collection method: clinical testing. Allele origin: germline. Affected: yes. Study: VKGL Data-share Consensus. Not counted in ClinVar's aggregate classification.

Inherited Neuropathy Consortium Ii, University Of Miami
Classification: Uncertain significance for Charcot-Marie-Tooth disease axonal type 2K. Last evaluated: 2016-01-06. Review status: flagged submission. Collection method: literature only. Allele origin: germline. Affected: yes. Not counted in ClinVar's aggregate classification.
ClinVar note: Reason: Outlier claim with insufficient supporting evidence

Literature cited by the submitters: PubMed 21199105 (cited by 7 submitters); PubMed 21753178 (cited by 6 submitters); PubMed 14561495 (cited by 3 submitters); PubMed 12601710 (cited by 3billion); PubMed 15805163 (cited by 6 submitters); PubMed 18021315 (cited by Labcorp Genetics (formerly Invitae), Labcorp and Athena Diagnostics); PubMed 19782751 (cited by 4 submitters); PubMed 21890626 (cited by 3 submitters); PubMed 23628762 (cited by Athena Diagnostics); PubMed 26525999 (cited by Athena Diagnostics and Women's Health and Genetics/Laboratory Corporation of America, LabCorp); PubMed 25168384 (cited by Athena Diagnostics); PubMed 22546700 (cited by Athena Diagnostics and Ambry Genetics); PubMed 15772096 (cited by Athena Diagnostics); PubMed 36353131 (cited by Athena Diagnostics); PubMed 35656516 (cited by Athena Diagnostics); PubMed 38705839 (cited by Athena Diagnostics); PubMed 33136338 (cited by Athena Diagnostics and Women's Health and Genetics/Laboratory Corporation of America, LabCorp); PubMed 28751717 (cited by Athena Diagnostics); PubMed 28220846 (cited by Athena Diagnostics); PubMed 31655048 (cited by Athena Diagnostics); PubMed 28379183 (cited by Athena Diagnostics); PubMed 28673555 (cited by Athena Diagnostics); PubMed 24078732 (cited by Athena Diagnostics); PubMed 25429913 (cited by Athena Diagnostics); PubMed 20301641 (cited by GeneReviews); NCBI Bookshelf NBK1468 (cited by GeneReviews); NCBI Bookshelf NBK1539 (cited by GeneReviews); PubMed 20301711 (cited by GeneReviews).